The following is an entry in ClinVar:

ClinVar aggregate classification (germline): Likely pathogenic. Review status: criteria provided, multiple submitters, no conflicts (2 of 4 stars). 2 submissions from 2 submitters: Likely pathogenic (2). Last evaluated 2026-01-12.

Conditions:
PCNT-related disorder. Also called: PCNT-related condition.

Submissions (2):

Labcorp Genetics (formerly Invitae), Labcorp
Classification: Likely pathogenic. Last evaluated: 2026-01-12. Review status: criteria provided, single submitter. Criteria: Invitae Variant Classification Sherloc (09022015). Collection method: clinical testing. Allele origin: germline.
Comment: This sequence change affects an acceptor splice site in intron 16 of the PCNT gene. It is expected to disrupt RNA splicing. Variants that disrupt the donor or acceptor splice site typically lead to a loss of protein function (PMID: 16199547), and loss-of-function variants in PCNT are known to be pathogenic (PMID: 18174396, 22821869). This variant is present in population databases (rs760151740, gnomAD 0.0009%). This variant has not been reported in the literature in individuals affected with PCNT-related conditions. ClinVar contains an entry for this variant (Variation ID: 3611938). Algorithms developed to predict the effect of sequence changes on RNA splicing suggest that this variant may disrupt the consensus splice site. In summary, the currently available evidence indicates that the variant is pathogenic, but additional data are needed to prove that conclusively. Therefore, this variant has been classified as Likely Pathogenic.

Blueprint Genetics
Classification: Likely pathogenic for PCNT-related disorders. Last evaluated: 2024-01-15. Review status: criteria provided, single submitter. Criteria: ACMG Guidelines, 2015. Collection method: clinical testing. Allele origin: germline. Affected: yes. Observed: 4 variant alleles.

Literature cited by the submitters: PubMed 16199547 (cited by Labcorp Genetics (formerly Invitae), Labcorp); PubMed 18174396 (cited by Labcorp Genetics (formerly Invitae), Labcorp); PubMed 22821869 (cited by Labcorp Genetics (formerly Invitae), Labcorp).

NM_006031.6(PCNT):c.3313-2A>C

Gene: PCNT (pericentrin; plus strand). Cytogenetic location: 21q22.3.
Variant type: single nucleotide variant.
Coding change: c.3313-2A>C on transcript NM_006031.6 (MANE Select); the canonical splice acceptor site of the intron before coding-DNA position 3313, A replaced by C.
Molecular consequence: splice acceptor variant.
Genome position (GRCh38, 1-based): chr21:46,385,830, A>C. VCF-style: chr21-46385830-A-C. GRCh37 (hg19) VCF-style: chr21-47805745-A-C.
Other names: c.2959-2A>C (NM_001315529.2).
Identifiers: ClinVar variation 3611938 (VCV003611938.3).
Genomic context (GRCh38, chr21:46,385,830, plus strand): 5'-TTACAGCCATTTGCTTTTAACCAAATTGTTTTAACGAAAGCTTTAACCATTTTTCTCGAT[A>C]GCTGAAAGACCAGGTTTTATCCTTAAGTCACGAGATAGAAGAGTGCCGCTCCGAGTTGGA-3'